The following is an entry in ClinVar:

NM_003477.3(PDHX):c.-27C>G

Genes: PDHX (pyruvate dehydrogenase complex component X; plus strand), LOC130005549 (ATAC-STARR-seq lymphoblastoid active region 4608; plus strand). Cytogenetic location: 11p13.
Variant type: single nucleotide variant.
Coding change: c.-27C>G on transcript NM_003477.3 (MANE Select); 27 bases upstream of the start codon, C replaced by G.
Molecular consequence: 5 prime UTR variant. On other transcripts: intron variant (1).
Genome position (GRCh38, 1-based): chr11:34,916,629, C>G. VCF-style: chr11-34916629-C-G. GRCh37 (hg19) VCF-style: chr11-34938176-C-G.
Other names: c.-27C>G (NM_001166158.2); c.-21+143C>G (NM_001135024.2).
Identifiers: ClinVar variation 513601 (VCV000513601.1), dbSNP rs529801753, ClinGen allele CA598864154.
Genomic context (GRCh38, chr11:34,916,629, plus strand): 5'-TGGGGGCGTGGCCAACCATGCGGGAGGCGGGGCCTTGATGCTGGACATCAGGCTGTGCTG[C>G]GGGCAGCCAGTGAGAAGGCCGTCAAGATGGCGGCCTCCTGGAGGCTGGGCTGTGATCCGC-3'

ClinVar aggregate classification (germline): Likely benign (1 of 4 stars; one submission).

gnomAD v4.1: 4 of 1,602,876 alleles (0.00025%); highest among the groups gnomAD compares: Non-Finnish European, 0.00034%; no homozygotes.

Submission:

GeneDx
Classification: Likely benign. Last evaluated: 2017-12-11. Review status: criteria provided, single submitter. Criteria: GeneDx Variant Classification (06012015). Collection method: clinical testing. Allele origin: germline. Affected: yes.
Comment: This variant is considered likely benign or benign based on one or more of the following criteria: it is a conservative change, it occurs at a poorly conserved position in the protein, it is predicted to be benign by multiple in silico algorithms, and/or has population frequency not consistent with disease.